The following is an entry in ClinVar:

ClinVar aggregate classification (germline): Benign. Review status: criteria provided, multiple submitters, no conflicts (2 of 4 stars). 2 submissions from 2 submitters: Benign (2). Last evaluated 2018-01-12.

Conditions:
Myoglobinuria, acute recurrent, autosomal recessive. Also called: MYOGLOBINURIA, FAMILIAL PAROXYSMAL PARALYTIC; RHABDOMYOLYSIS, ACUTE RECURRENT; Myoglobinuria, recurrent, autosomal recessive. Identifiers: Orphanet 99845, MedGen C1849386, MONDO:0009992, OMIM 268200.

Allele frequency attached by ClinVar (database versions not stated): gnomAD exomes 0.02857; 1000 Genomes Project 0.05970; 1000 Genomes Project 30x 0.06090; gnomAD 0.06283; TOPMed 0.06916.
gnomAD v4.1: 9,965 of 152,524 alleles (6.5%); highest among the groups gnomAD compares: Middle Eastern, 14%; 458 homozygotes.

Submissions (2):

Illumina Laboratory Services, Illumina
Classification: Benign for Myoglobinuria, acute recurrent, autosomal recessive. Last evaluated: 2018-01-12. Review status: criteria provided, single submitter. Criteria: ICSL Variant Classification Criteria 13 December 2019. Collection method: clinical testing. Allele origin: germline.
Comment: This variant was observed in the ICSL laboratory as part of a predisposition screen in an ostensibly healthy population. It had not been previously curated by ICSL or reported in the Human Gene Mutation Database (HGMD: prior to June 1st, 2018), and was therefore a candidate for classification through an automated scoring system. Utilizing variant allele frequency, disease prevalence and penetrance estimates, and inheritance mode, an automated score was calculated to assess if this variant is too frequent to cause the disease. Based on the score and internal cut-off values, a variant classified as benign is not then subjected to further curation. The score for this variant resulted in a classification of benign for this disease.

Breakthrough Genomics
Classification: Benign. Review status: criteria provided, single submitter. Criteria: ACMG Guidelines, 2015. Collection method: not provided. Allele origin: germline. Inheritance: Autosomal recessive inheritance. Affected: yes.

NM_001349206.2(LPIN1):c.*1570C>G

Gene: LPIN1 (lipin 1; plus strand). Cytogenetic location: 2p25.1.
Variant type: single nucleotide variant.
Coding change: c.*1570C>G on transcript NM_001349206.2 (MANE Select); 1570 bases downstream of the stop codon, C replaced by G.
Molecular consequence: 3 prime UTR variant. On other transcripts: non-coding transcript variant (1).
Genome position (GRCh38, 1-based): chr2:11,826,361, C>G. VCF-style: chr2-11826361-C-G. GRCh37 (hg19) VCF-style: chr2-11966487-C-G.
Other names: c.*1570C>G (NM_001261427.3, NM_001261428.3, NM_001349199.2 and 9 more transcripts).
Identifiers: ClinVar variation 330941 (VCV000330941.6), dbSNP rs10700, ClinGen allele CA10612074.